The following is an entry in ClinVar:

ClinVar aggregate classification (germline): Pathogenic/Likely pathogenic. Review status: criteria provided, multiple submitters, no conflicts (2 of 4 stars). 3 submissions from 3 submitters: Pathogenic (1); Likely pathogenic (1). 1 of the submissions does not count toward it. Last evaluated 2024-12-05.

Conditions:
GNPTG-mucolipidosis. Also called: Mucolipidosis type III gamma; ML III GAMMA; ML IIIC; MUCOLIPIDOSIS III, COMPLEMENTATION GROUP C; MUCOLIPIDOSIS III, IRANIAN VARIANT FORM; MUCOLIPIDOSIS III, VARIANT FORM. Identifiers: Orphanet 423470, Orphanet 577, MedGen C1854896, MONDO:0009652, OMIM 252605.

Allele frequency attached by ClinVar (database versions not stated): gnomAD exomes below 0.00001.
gnomAD v4.1: 2 of 1,613,990 alleles (0.00012%); highest among the groups gnomAD compares: Non-Finnish European, 0.00017%; no homozygotes.

Submissions (3):

Natera, Inc.
Classification: Likely pathogenic for Mucolipidosis III gamma. Last evaluated: 2024-12-05. Review status: criteria provided, single submitter. Criteria: Natera Variant Classification Schema (03/2026). Collection method: clinical testing. Allele origin: germline.
Comment: The c.751G>T variant in GNPTG is a nonsense variant predicted to introduce a stop codon at amino acid 251. This variant is expected to result in nonsense mediated decay, truncation, or a dysfunctional protein product. This variant is rare in the general population with a frequency below the threshold expected for the associated phenotype(s). Given the available evidence, this variant is classified as Likely Pathogenic.

Labcorp Genetics (formerly Invitae), Labcorp
Classification: Pathogenic. Last evaluated: 2023-06-16. Review status: criteria provided, single submitter. Criteria: Invitae Variant Classification Sherloc (09022015). Collection method: clinical testing. Allele origin: germline.
Comment: ClinVar contains an entry for this variant (Variation ID: 557574). This variant has not been reported in the literature in individuals affected with GNPTG-related conditions. This variant is not present in population databases (gnomAD no frequency). This sequence change creates a premature translational stop signal (p.Glu251*) in the GNPTG gene. It is expected to result in an absent or disrupted protein product. Loss-of-function variants in GNPTG are known to be pathogenic (PMID: 19370764, 20301784). For these reasons, this variant has been classified as Pathogenic. Algorithms developed to predict the effect of sequence changes on RNA splicing suggest that this variant may disrupt the consensus splice site.

Counsyl
Classification: Likely pathogenic for GNPTG-mucolipidosis. Last evaluated: 2018-04-04. Review status: no assertion criteria provided. Collection method: clinical testing. Allele origin: unknown. Not counted in ClinVar's aggregate classification.

Literature cited by the submitters: PubMed 19370764 (cited by Labcorp Genetics (formerly Invitae), Labcorp); PubMed 20301784 (cited by Labcorp Genetics (formerly Invitae), Labcorp).

NM_032520.5(GNPTG):c.751G>T (p.Glu251Ter)

Gene: GNPTG (N-acetylglucosamine-1-phosphate transferase subunit gamma; plus strand). Cytogenetic location: 16p13.3.
Variant type: single nucleotide variant.
Coding change: c.751G>T on transcript NM_032520.5 (MANE Select); coding-DNA position 751, G replaced by T.
Protein change: p.Glu251Ter; replaces glutamic acid 251 with a stop codon.
Molecular consequence: nonsense.
Genome position (GRCh38, 1-based): chr16:1,362,834, G>T. VCF-style: chr16-1362834-G-T. GRCh37 (hg19) VCF-style: chr16-1412835-G-T.
Other names: short protein forms E251*.
Identifiers: ClinVar variation 557574 (VCV000557574.6), dbSNP rs1555452081, ClinGen allele CA394188683.